The following is an entry in ClinVar:

NM_001130438.3(SPTAN1):c.2163= (p.Ala721=)

Gene: SPTAN1 (spectrin alpha, non-erythrocytic 1; plus strand). Cytogenetic location: 9q34.11.
Variant type: single nucleotide variant.
Coding change: c.2163= on transcript NM_001130438.3 (MANE Select); coding-DNA position 2163, no change from the reference sequence.
Protein change: p.Ala721=; no amino-acid change (alanine 721 retained).
Molecular consequence: no sequence alteration.
Genome position: GRCh38 VCF-style: chr9-128583939-A-A. GRCh37 (hg19) VCF-style: chr9-131346218-A-A.
Other names: p.A721A:GCC>GCA; c.2163=, p.Ala721= (NM_001195532.2, NM_001363759.2, NM_001363765.2 and 1 more transcripts).
Identifiers: ClinVar variation 139275 (VCV000139275.13), dbSNP rs10760566.

ClinVar aggregate classification (germline): Benign/Likely benign. Review status: criteria provided, multiple submitters, no conflicts (2 of 4 stars). 2 submissions from 2 submitters: Benign (1); Likely benign (1). Last evaluated 2026-02-03.

Conditions:
Early-infantile DEE. Also called: Early infantile epileptic encephalopathy; Ohtahara syndrome; Early infantile epileptic encephalopathy with suppression bursts. Identifiers: Orphanet 1934, MedGen C0393706, MONDO:0800491.

Allele frequency attached by ClinVar (database versions not stated): gnomAD 0.03060 and 0.02853; 1000 Genomes Project 30x 0.03201; TOPMed 0.03245; ExAC 0.00864; ESP Exome Variant Server 0.02991; 1000 Genomes Project 0.03015.

Submissions (2):

Labcorp Genetics (formerly Invitae), Labcorp
Classification: Likely benign for Early-infantile DEE. Last evaluated: 2026-02-03. Review status: criteria provided, single submitter. Criteria: Invitae Variant Classification Sherloc (09022015). Collection method: clinical testing. Allele origin: germline.

GeneDx
Classification: Benign. Last evaluated: 2012-06-05. Review status: criteria provided, single submitter. Criteria: GeneDx Variant Classification (06012015). Collection method: clinical testing. Allele origin: germline. Affected: yes.
Comment: This variant is considered likely benign or benign based on one or more of the following criteria: it is a conservative change, it occurs at a poorly conserved position in the protein, it is predicted to be benign by multiple in silico algorithms, and/or has population frequency not consistent with disease.